The following is an entry in ClinVar:

NM_022132.5(MCCC2):c.147G>C (p.Met49Ile)

Gene: MCCC2 (methylcrotonyl-CoA carboxylase subunit 2; plus strand). Cytogenetic location: 5q13.2.
Variant type: single nucleotide variant.
Coding change: c.147G>C on transcript NM_022132.5 (MANE Select); coding-DNA position 147, G replaced by C.
Protein change: p.Met49Ile; replaces methionine 49 with isoleucine.
Molecular consequence: missense variant.
Genome position (GRCh38, 1-based): chr5:71,592,943, G>C. VCF-style: chr5-71592943-G-C. GRCh37 (hg19) VCF-style: chr5-70888770-G-C.
Other names: c.147G>C, p.Met49Ile (NM_001363147.1); short protein forms M49I.
Identifiers: ClinVar variation 1362338 (VCV001362338.9), dbSNP rs756664143, ClinGen allele CA3297675.

ClinVar aggregate classification (germline): Uncertain significance (1 of 4 stars; one submission).

Conditions:
3-methylcrotonyl-CoA carboxylase 2 deficiency. Also called: METHYLCROTONYLGLYCINURIA, TYPE II; 3 alpha methylcrotonyl-CoA carboxylase 2 deficiency; 3 alpha methylcrotonylglycinuria 2; MCC 2 deficiency; Methylcrotonylglycinuria type 2. Identifiers: Orphanet 6, MedGen C1859499, MONDO:0008862, OMIM 210210.

Allele frequency attached by ClinVar (database versions not stated): gnomAD exomes below 0.00001 and 0.00001; gnomAD 0.00001; ExAC 0.00002.

Submission:

Labcorp Genetics (formerly Invitae), Labcorp
Classification: Uncertain significance for 3-methylcrotonyl-CoA carboxylase 2 deficiency. Last evaluated: 2025-11-16. Review status: criteria provided, single submitter. Criteria: Invitae Variant Classification Sherloc (09022015). Collection method: clinical testing. Allele origin: germline.
Comment: This sequence change replaces methionine, which is neutral and non-polar, with isoleucine, which is neutral and non-polar, at codon 49 of the MCCC2 protein (p.Met49Ile). This variant is present in population databases (rs756664143, gnomAD 0.006%). This missense change has been observed in individuals with 3 methylcrotonyl-CoA carboxylase deficiency (internal data). ClinVar contains an entry for this variant (Variation ID: 1362338). Invitae Evidence Modeling of protein sequence and biophysical properties (such as structural, functional, and spatial information, amino acid conservation, physicochemical variation, residue mobility, and thermodynamic stability) indicates that this missense variant is not expected to disrupt MCCC2 protein function with a negative predictive value of 80%. In summary, the available evidence is currently insufficient to determine the role of this variant in disease. Therefore, it has been classified as a Variant of Uncertain Significance.